The following is an entry in ClinVar:

NM_025215.6(PUS1):c.1A>T (p.Met1Leu)

Gene: PUS1 (pseudouridine synthase 1; plus strand). Cytogenetic location: 12q24.33.
Variant type: single nucleotide variant.
Coding change: c.1A>T on transcript NM_025215.6 (MANE Select); coding-DNA position 1, A replaced by T.
Protein change: p.Met1Leu; changes the start codon (methionine 1).
Molecular consequence: missense variant, initiator codon variant. On other transcripts: intron variant (2).
Genome position (GRCh38, 1-based): chr12:131,929,723, A>T. VCF-style: chr12-131929723-A-T. GRCh37 (hg19) VCF-style: chr12-132414268-A-T.
Other names: c.-10-184A>T (NM_001002019.3, NM_001002020.3); short protein forms M1L.
Identifiers: ClinVar variation 3574397 (VCV003574397.2).

ClinVar aggregate classification (germline): Conflicting classifications of pathogenicity. Review status: criteria provided, conflicting classifications (1 of 4 stars). 2 submissions from 2 submitters: Likely pathogenic (1); Uncertain significance (1). Last evaluated 2026-08-06.

Conditions:
Myopathy, lactic acidosis, and sideroblastic anemia 1 (MLASA1). Identifiers: Orphanet 2598, MedGen C4551958, MONDO:0024553, OMIM 600462.

Submissions (2):

Myriad Genetics, Inc.
Classification: Uncertain significance for Myopathy, lactic acidosis, and sideroblastic anemia 1. Last evaluated: 2026-08-06. Review status: criteria provided, single submitter. Criteria: Myriad Autosomal Dominant, Autosomal Recessive and X-Linked Classification Criteria (2023). Collection method: clinical testing. Allele origin: unknown.
Comment: NM_025215.5(PUS1):c.1A>T(M1?) is an initiation codon variant classified as a variant of uncertain significance in the context of myopathy, lactic acidosis, and sideroblastic anemia 1. M1? has not been observed in cases with relevant disease. Relevant functional assessments of this variant are not available in the literature. M1? has been observed in referenced population frequency databases. In summary, there is insufficient evidence to classify NM_025215.5(PUS1):c.1A>T(M1?) as pathogenic or benign. Please note: this variant was assessed in the context of healthy population screening.

Fulgent Genetics
Classification: Likely pathogenic for Myopathy, lactic acidosis, and sideroblastic anemia 1. Last evaluated: 2024-06-17. Review status: criteria provided, single submitter. Criteria: ACMG Guidelines, 2015. Collection method: clinical testing. Allele origin: germline.